The following is an entry in ClinVar:

ClinVar aggregate classification (germline): Conflicting classifications of pathogenicity. Review status: criteria provided, conflicting classifications (1 of 4 stars). 2 submissions from 2 submitters: Uncertain significance (1); Benign (1). Last evaluated 2025-11-19.

Conditions:
BAP1-related tumor predisposition syndrome (TPDS1). Also called: Tumor susceptibility linked to germline BAP1 mutations; COMMON Syndrome; TUMOR PREDISPOSITION SYNDROME 1; BAP1 tumor predisposition syndrome. Identifiers: Orphanet 289539, MedGen C3280492, MONDO:0013692, OMIM 614327.
Hereditary cancer-predisposing syndrome. Also called: Hereditary neoplastic syndrome; Neoplastic Syndromes, Hereditary; Tumor predisposition; Hereditary Cancer Syndrome. Identifiers: Orphanet 140162, MedGen C0027672, MeSH D009386, MONDO:0015356.

Submissions (2):

Labcorp Genetics (formerly Invitae), Labcorp
Classification: Uncertain significance for BAP1-related tumor predisposition syndrome. Last evaluated: 2025-11-19. Review status: criteria provided, single submitter. Criteria: Invitae Variant Classification Sherloc (09022015). Collection method: clinical testing. Allele origin: germline.
Comment: This variant, c.1351_1353del, results in the deletion of 1 amino acid(s) of the BAP1 protein (p.Lys451del), but otherwise preserves the integrity of the reading frame. This variant is not present in population databases (gnomAD no frequency). This variant has not been reported in the literature in individuals affected with BAP1-related conditions. ClinVar contains an entry for this variant (Variation ID: 3818738). Experimental studies and prediction algorithms are not available or were not evaluated, and the functional significance of this variant is currently unknown. In summary, the available evidence is currently insufficient to determine the role of this variant in disease. Therefore, it has been classified as a Variant of Uncertain Significance.

Ambry Genetics
Classification: Benign for Hereditary cancer-predisposing syndrome. Last evaluated: 2025-02-03. Review status: criteria provided, single submitter. Criteria: Ambry Variant Classification Scheme 2023. Collection method: clinical testing. Allele origin: germline.

Literature cited by the submitters: PubMed 38969833 (cited by Ambry Genetics).

NM_004656.4(BAP1):c.1351_1353del (p.Lys451del)

Gene: BAP1 (BRCA1 associated deubiquitinase 1; minus strand). Cytogenetic location: 3p21.1.
Variant type: Deletion.
Coding change: c.1351_1353del on transcript NM_004656.4 (MANE Select); coding-DNA positions 1351 to 1353, 3 bases deleted (AAG; older notation c.1351_1353delAAG).
Protein change: p.Lys451del; deletes lysine 451.
Molecular consequence: inframe deletion. On other transcripts: inframe indel (1).
Genome position (GRCh38, 1-based): chr3:52,403,792-52,403,794, CTT deleted on the plus strand (AAG on the coding strand, the reverse complement: BAP1 is on the minus strand); deleting any 3 consecutive bases within chr3:52,403,792-52,403,796 gives the same sequence; the c. name uses the placement nearest the transcript's 3' end. VCF-style (leftmost placement, unchanged base first): chr3-52403791-GCTT-G. GRCh37 (hg19) VCF-style: chr3-52437807-GCTT-G.
Other names: c.1297_1299del, p.Lys433del (NM_001410772.1); c.1351_1353delAAG (NM_004656.2); short protein forms K451del, K433del.
Identifiers: ClinVar variation 3818738 (VCV003818738.2).
Genomic context (GRCh38, chr3:52,403,791, plus strand): 5'-CAGCCCCGCTGCTAGTCTTGATGGACAGAGGAATTGAGAGGTCCTTCTGGGACTCTTTGA[GCTT>G]CTCAGCCAAGACGTTGATGGTGTTGGGCTGCAGCACTGACAGTTGCCCATCAGCAGAACC-3'